The following is an entry in ClinVar:

NM_001940.4(ATN1):c.842del (p.Gly281fs)

Gene: ATN1 (atrophin 1; plus strand). Cytogenetic location: 12p13.31.
Variant type: Deletion.
Coding change: c.842del on transcript NM_001940.4 (MANE Select); coding-DNA position 842, one base deleted (G; older notation c.842delG).
Protein change: p.Gly281fs; shifts the reading frame from glycine 281.
Molecular consequence: frameshift variant.
Genome position (GRCh38, 1-based): chr12:6,936,109, G deleted; the last of 3 consecutive G bases (chr12:6,936,107-6,936,109); deleting any one gives the same sequence. VCF-style (leftmost placement, unchanged base first): chr12-6936106-TG-T. GRCh37 (hg19) VCF-style: chr12-7045269-TG-T.
Other names: c.842del, p.Gly281fs (NM_001007026.2, NM_001424176.1, NM_001424177.1 and 1 more transcripts); c.839del, p.Gly280fs (NM_001424179.1, NM_001424180.1); short protein forms G280fs, G281fs.
Identifiers: ClinVar variation 4994824 (VCV004994824.1).
Genomic context (GRCh38, chr12:6,936,106, plus strand): 5'-TTTCAGTATCAAGCTCTGGGGCTAGTGGTGCTCCCCCAACAAAGCCGCCTACCACTCCAG[TG>T]GGTGGTGGGAACCTACCTTCTGCTCCACCACCAGCCAACTTCCCCCATGTGACACCGAAC-3'

ClinVar aggregate classification (germline): Uncertain significance (1 of 4 stars; one submission).

Conditions:
ATN1-related disorder. Also called: ATN1-related disorders; ATN1-related condition.

Submission:

PreventionGenetics, part of Exact Sciences
Classification: Uncertain significance for ATN1-related condition. Last evaluated: 2026-07-09. Review status: criteria provided, single submitter. Criteria: ACMG Guidelines, 2015. Collection method: clinical testing. Allele origin: germline.
Comment: The ATN1 c.842delG variant is predicted to result in a frameshift and premature protein termination (p.Gly281Valfs*17). To our knowledge, this variant has not been reported in the literature or in a large population database (gnomAD), indicating this variant is rare. Loss of function variation has not been established as a mechanism of pathogenicity for ATN1-related disorders (Palmer et al. 2021. PubMed ID: 34212383). At this time, the clinical significance of this variant is uncertain due to the absence of conclusive functional and genetic evidence.